The following is an entry in ClinVar:

ClinVar aggregate classification (germline): Uncertain significance. Review status: criteria provided, multiple submitters, no conflicts (2 of 4 stars). 2 submissions from 2 submitters: Uncertain significance (2). Last evaluated 2026-10-08.

Allele frequency attached by ClinVar (database versions not stated): gnomAD exomes 0.00002 and 0.00003; gnomAD 0.00001; 1000 Genomes Project 30x 0.00016; 1000 Genomes Project 0.00020; ExAC 0.00002; TOPMed 0.00004.
gnomAD v4.1: 29 of 1,613,668 alleles (0.0018%); highest among the groups gnomAD compares: Admixed American, 0.0067%; no homozygotes.

Submissions (2):

GeneDx
Classification: Uncertain significance. Last evaluated: 2026-10-08. Review status: criteria provided, single submitter. Criteria: GeneDx Variant Classification Process June 2021. Collection method: clinical testing. Allele origin: germline.
Comment: Has not been previously published as pathogenic or benign to our knowledge; In silico analysis supports that this missense variant has a deleterious effect on protein structure/function

Labcorp Genetics (formerly Invitae), Labcorp
Classification: Uncertain significance. Last evaluated: 2022-08-09. Review status: criteria provided, single submitter. Criteria: Invitae Variant Classification Sherloc (09022015). Collection method: clinical testing. Allele origin: germline.
Comment: This sequence change replaces proline, which is neutral and non-polar, with threonine, which is neutral and polar, at codon 1823 of the PCLO protein (p.Pro1823Thr). This variant is present in population databases (rs182179407, gnomAD 0.006%). This variant has not been reported in the literature in individuals affected with PCLO-related conditions. ClinVar contains an entry for this variant (Variation ID: 1482085). Algorithms developed to predict the effect of missense changes on protein structure and function are either unavailable or do not agree on the potential impact of this missense change (SIFT: "Deleterious"; PolyPhen-2: "Not Available"; Align-GVGD: "Class C0"). In summary, the available evidence is currently insufficient to determine the role of this variant in disease. Therefore, it has been classified as a Variant of Uncertain Significance.

NM_033026.6(PCLO):c.5467C>A (p.Pro1823Thr)

Gene: PCLO (piccolo presynaptic cytomatrix protein; minus strand). Cytogenetic location: 7q21.11.
Variant type: single nucleotide variant.
Coding change: c.5467C>A on transcript NM_033026.6 (MANE Select); coding-DNA position 5467, C replaced by A.
Protein change: p.Pro1823Thr; replaces proline 1823 with threonine.
Molecular consequence: missense variant.
Genome position (GRCh38, 1-based): chr7:82,955,486, G>T on the plus strand (C>A on the coding strand, the complement: PCLO is on the minus strand). VCF-style: chr7-82955486-G-T. GRCh37 (hg19) VCF-style: chr7-82584802-G-T.
Other names: c.5467C>A, p.Pro1823Thr (NM_014510.3); c.5467C>A (NM_033026.5); short protein forms P1823T.
Identifiers: ClinVar variation 1482085 (VCV001482085.5), dbSNP rs182179407, ClinGen allele CA4320644.